The following is an entry in ClinVar:

ClinVar aggregate classification (germline): Uncertain significance. Review status: criteria provided, multiple submitters, no conflicts (2 of 4 stars). 7 submissions from 7 submitters: Uncertain significance (7). Last evaluated 2026-01-08.

Conditions:
Colorectal cancer, susceptibility to, 12 (CRCS12). Also called: COLORECTAL CANCER, SUSCEPTIBILITY TO, ON CHROMOSOME 12q24. Identifiers: Orphanet 220460, MedGen C3554460, MONDO:0014038, OMIM 615083.
Hereditary cancer-predisposing syndrome. Also called: Neoplastic Syndromes, Hereditary; Tumor predisposition; Hereditary neoplastic syndrome; Hereditary Cancer Syndrome. Identifiers: Orphanet 140162, MedGen C0027672, MeSH D009386, MONDO:0015356.

Allele frequency attached by ClinVar (database versions not stated): gnomAD exomes 0.00001 and below 0.00001; TOPMed 0.00008; ExAC 0.00001; gnomAD 0.00008 and 0.00007; 1000 Genomes Project 30x 0.00031.
gnomAD v4.1: 22 of 1,613,194 alleles (0.0014%); highest among the groups gnomAD compares: African/African-American, 0.024%; no homozygotes.

Submissions (7):

Ambry Genetics
Classification: Uncertain significance for Hereditary cancer-predisposing syndrome. Last evaluated: 2026-01-08. Review status: criteria provided, single submitter. Criteria: Ambry Variant Classification Scheme 2023. Collection method: clinical testing. Allele origin: germline.
Comment: The p.N309S variant (also known as c.926A>G), located in coding exon 10 of the POLE gene, results from an A to G substitution at nucleotide position 926. The asparagine at codon 309 is replaced by serine, an amino acid with highly similar properties. This amino acid position is highly conserved in available vertebrate species. In addition, this alteration is predicted to be tolerated by in silico analysis. Based on the available evidence, the clinical significance of this variant remains unclear.

Labcorp Genetics (formerly Invitae), Labcorp
Classification: Uncertain significance. Last evaluated: 2025-12-22. Review status: criteria provided, single submitter. Criteria: Invitae Variant Classification Sherloc (09022015). Collection method: clinical testing. Allele origin: germline.
Comment: This sequence change replaces asparagine, which is neutral and polar, with serine, which is neutral and polar, at codon 309 of the POLE protein (p.Asn309Ser). This variant is present in population databases (rs767060387, gnomAD 0.008%). This variant has not been reported in the literature in individuals affected with POLE-related conditions. ClinVar contains an entry for this variant (Variation ID: 405777). Invitae Evidence Modeling of protein sequence and biophysical properties (such as structural, functional, and spatial information, amino acid conservation, physicochemical variation, residue mobility, and thermodynamic stability) indicates that this missense variant is expected to disrupt POLE protein function with a positive predictive value of 80%. RNA analysis performed to evaluate the impact of this missense change on mRNA splicing indicates it does not significantly alter splicing (internal data). In summary, the available evidence is currently insufficient to determine the role of this variant in disease. Therefore, it has been classified as a Variant of Uncertain Significance.

Quest Diagnostics Nichols Institute San Juan Capistrano
Classification: Uncertain significance. Last evaluated: 2024-12-03. Review status: criteria provided, single submitter. Criteria: Quest Diagnostics criteria. Collection method: clinical testing. Allele origin: unknown.
Comment: The POLE c.926A>G (p.Asn309Ser) variant has been reported in the published literature in an individual considered high risk of breast and/or ovarian cancer (PMID: 38874686 (2024)). The frequency of this variant in the general population (Genome Aggregation Database) is uninformative in the assessment of its pathogenicity. Analysis of this variant using bioinformatics tools for the prediction of the effect of amino acid changes on protein structure and function yielded predictions that this variant is damaging. Based on the available information, we are unable to determine the clinical significance of this variant.

GeneDx
Classification: Uncertain significance. Last evaluated: 2024-10-02. Review status: criteria provided, single submitter. Criteria: GeneDx Variant Classification Process June 2021. Collection method: clinical testing. Allele origin: germline. Affected: yes.
Comment: Not observed at significant frequency in large population cohorts (gnomAD); In silico analysis supports that this missense variant has a deleterious effect on protein structure/function; In silico analysis supports a deleterious effect on splicing; Has not been previously published as pathogenic or benign to our knowledge; This variant is associated with the following publications: (PMID: 20951805)

Baylor Genetics
Classification: Uncertain significance for Colorectal cancer, susceptibility to, 12. Last evaluated: 2023-10-10. Review status: criteria provided, single submitter. Criteria: ACMG Guidelines, 2015. Collection method: clinical testing. Allele origin: unknown.

Sema4
Classification: Uncertain significance for Hereditary cancer-predisposing syndrome. Last evaluated: 2021-08-23. Review status: criteria provided, single submitter. Criteria: Sema4 Curation Guidelines. Collection method: curation. Allele origin: germline.
Comment: To the best of our knowledge, the POLE c.926A>G (p.N309S) variant has not been reported in individuals with POLE-related disease. It was observed in 2/24960 chromosomes of the African/African American subpopulation in the large and broad cohorts of the Genome Aggregation Database (PMID: 32461654). The variant has been reported in ClinVar (Variation ID: 405777). Functional studies have not been performed, and in silico predictions of the variant's effect on protein function are inconclusive. The evidence is insufficient to meet ACMG/AMP criteria for classifying the variant as benign or pathogenic. Thus, the clinical significance of this variant is currently uncertain.

Mendelics
Classification: Uncertain significance for Colorectal cancer, susceptibility to, 12. Last evaluated: 2019-05-28. Review status: criteria provided, single submitter. Criteria: Mendelics Assertion Criteria 2017. Collection method: clinical testing. Allele origin: unknown.

Literature cited by the submitters: PubMed 38874686 (cited by Quest Diagnostics Nichols Institute San Juan Capistrano).

NM_006231.4(POLE):c.926A>G (p.Asn309Ser)

Gene: POLE (DNA polymerase epsilon, catalytic subunit; minus strand). Cytogenetic location: 12q24.33.
Variant type: single nucleotide variant.
Coding change: c.926A>G on transcript NM_006231.4 (MANE Select); coding-DNA position 926, A replaced by G.
Protein change: p.Asn309Ser; replaces asparagine 309 with serine.
Molecular consequence: missense variant.
Genome position (GRCh38, 1-based): chr12:132,676,188, T>C on the plus strand (A>G on the coding strand, the complement: POLE is on the minus strand). VCF-style: chr12-132676188-T-C. GRCh37 (hg19) VCF-style: chr12-133252774-T-C.
Other names: short protein forms N309S.
Identifiers: ClinVar variation 405777 (VCV000405777.27), dbSNP rs767060387, ClinGen allele CA6894137.